The following is an entry in ClinVar:

ClinVar aggregate classification (germline): Uncertain significance (1 of 4 stars; one submission).

Allele frequency attached by ClinVar (database versions not stated): TOPMed 0.00009; gnomAD exomes 0.00010; ExAC 0.00012; gnomAD 0.00012; 1000 Genomes Project 0.00020; 1000 Genomes Project 30x 0.00031.
gnomAD v4.1: 170 of 1,535,120 alleles (0.011%); highest among the groups gnomAD compares: Middle Eastern, 0.084%; 3 homozygotes.

Submission:

Women's Health and Genetics/Laboratory Corporation of America, LabCorp
Classification: Uncertain significance. Last evaluated: 2023-10-20. Review status: criteria provided, single submitter. Criteria: LabCorp Variant Classification Summary - May 2015. Collection method: clinical testing. Allele origin: germline.
Comment: Variant summary: SLC25A26 c.-13G>A is located in the untranslated mRNA region upstream of the initiation codon. The variant allele was found at a frequency of 0.00023 in 138836 control chromosomes. To our knowledge, no occurrence of c.-13G>A in individuals affected with Combined Oxidative Phosphorylation Deficiency 28 and no experimental evidence demonstrating its impact on protein function have been reported. No submitters have cited clinical-significance assessments for this variant to ClinVar after 2014. Based on the evidence outlined above, the variant was classified as uncertain significance.

NM_001379210.1(SLC25A26):c.-13G>A

Gene: SLC25A26 (solute carrier family 25 member 26; plus strand). Cytogenetic location: 3p14.1.
Variant type: single nucleotide variant.
Coding change: c.-13G>A on transcript NM_001379210.1 (MANE Select); 13 bases upstream of the start codon, G replaced by A.
Molecular consequence: 5 prime UTR variant. On other transcripts: non-coding transcript variant (14), intron variant (1).
Genome position (GRCh38, 1-based): chr3:66,221,082, G>A. VCF-style: chr3-66221082-G-A. GRCh37 (hg19) VCF-style: chr3-66271508-G-A.
Other names: c.-13G>A (NM_001009937.1, NM_001400705.1, NM_001400707.1 and 1 more transcripts); c.-120G>A (NM_001164796.1, NM_001400709.1, NM_001400714.1); c.-364G>A (NM_001350993.1); c.-232+224G>A (NM_001400711.1).
Identifiers: ClinVar variation 2637851 (VCV002637851.1), dbSNP rs371220823, ClinGen allele CA2483580.
Genomic context (GRCh38, chr3:66,221,082, plus strand): 5'-GCGCCCAGCGCGCGAGGACGTGATCCGCTTCTGCTCCGGCTTGGATTGTAGCCTTGACGA[G>A]GTCTGAGCGACCATGGACCGGCCGGGGTTCGTGGCAGCGCTGGTGGTGAGTGCGGGGCGG-3'